The following is an entry in ClinVar:

ClinVar aggregate classification (germline): Likely benign. Review status: criteria provided, multiple submitters, no conflicts (2 of 4 stars). 2 submissions from 2 submitters: Likely benign (2). Last evaluated 2024-12-01.

Conditions:
Amyotrophic lateral sclerosis type 1 (ALS1). Also called: AMYOTROPHIC LATERAL SCLEROSIS 1, FAMILIAL. Identifiers: Orphanet 803, MedGen C1862939, MONDO:0007103, OMIM 105400.
Perry syndrome. Also called: PARKINSONISM WITH ALVEOLAR HYPOVENTILATION AND MENTAL DEPRESSION. Identifiers: Orphanet 178509, MedGen C1868594, MONDO:0008201, OMIM 168605.
Neuronopathy, distal hereditary motor, type 7B. Also called: NEURONOPATHY, DISTAL HEREDITARY MOTOR, AUTOSOMAL DOMINANT 14; NEURONOPATHY, DISTAL HEREDITARY MOTOR, HARDING TYPE VIIB; NEUROPATHY, DISTAL HEREDITARY MOTOR, HARDING TYPE VIIB; NEUROPATHY, DISTAL HEREDITARY MOTOR, WITH VOCAL CORD PARALYSIS, HARDING TYPE VIIB; HMN VIIB; LOWER MOTOR NEURON DISEASE, DYNACTIN TYPE. Identifiers: Orphanet 139589, MedGen C1843315, MONDO:0011879, OMIM 607641.

Allele frequency attached by ClinVar (database versions not stated): gnomAD exomes below 0.00001; TOPMed 0.00001.
gnomAD v4.1: 7 of 1,614,068 alleles (0.00043%); highest among the groups gnomAD compares: Non-Finnish European, 0.00051%; no homozygotes.

Submissions (2):

CeGaT Center for Human Genetics Tuebingen
Classification: Likely benign. Last evaluated: 2024-12-01. Review status: criteria provided, single submitter. Criteria: CeGaT Center For Human Genetics Tuebingen Variant Classification Criteria Version 2. Collection method: clinical testing. Allele origin: germline. Affected: yes. Observed: 1 variant allele.
Comment: DCTN1: BP4, BP7

Labcorp Genetics (formerly Invitae), Labcorp
Classification: Likely benign for Amyotrophic lateral sclerosis type 1; Neuronopathy, distal hereditary motor, type 7B; Perry syndrome. Last evaluated: 2023-08-27. Review status: criteria provided, single submitter. Criteria: Invitae Variant Classification Sherloc (09022015). Collection method: clinical testing. Allele origin: germline.

NM_004082.5(DCTN1):c.1161G>A (p.Glu387=)

Gene: DCTN1 (dynactin subunit 1; minus strand). Cytogenetic location: 2p13.1.
Variant type: single nucleotide variant.
Coding change: c.1161G>A on transcript NM_004082.5 (MANE Select); coding-DNA position 1161, G replaced by A.
Protein change: p.Glu387=; no amino-acid change (glutamic acid 387 retained).
Molecular consequence: synonymous variant. On other transcripts: non-coding transcript variant (1).
Genome position (GRCh38, 1-based): chr2:74,370,312, C>T on the plus strand (G>A on the coding strand, the complement: DCTN1 is on the minus strand). VCF-style: chr2-74370312-C-T. GRCh37 (hg19) VCF-style: chr2-74597439-C-T.
Other names: c.1101G>A, p.Glu367= (NM_001135040.3); c.759G>A, p.Glu253= (NM_001135041.3, NM_023019.4); c.1050G>A, p.Glu350= (NM_001190836.2); c.1140G>A, p.Glu380= (NM_001190837.2); c.1110G>A, p.Glu370= (NM_001378991.1); c.1092G>A, p.Glu364= (NM_001378992.1).
Identifiers: ClinVar variation 1588913 (VCV001588913.22), dbSNP rs72659373, ClinGen allele CA50476879.